The following is an entry in ClinVar:

ClinVar aggregate classification (germline): Conflicting classifications of pathogenicity. Review status: criteria provided, conflicting classifications (1 of 4 stars). 5 submissions from 5 submitters: Uncertain significance (4); Likely benign (1). Last evaluated 2025-10-06.

Conditions:
BRCA1-related disorder. Also called: BRCA1-related condition.
Hereditary cancer-predisposing syndrome. Also called: Neoplastic Syndromes, Hereditary; Tumor predisposition; Hereditary Cancer Syndrome; Hereditary neoplastic syndrome. Identifiers: Orphanet 140162, MedGen C0027672, MeSH D009386, MONDO:0015356.
Hereditary breast ovarian cancer syndrome. Also called: Hereditary breast and ovarian cancer; Hereditary breast and/or ovarian cancer syndrome; BRCA1- and BRCA2-Associated Hereditary Breast and Ovarian Cancer; Hereditary breast and ovarian cancer syndrome (HBOC); Hereditary breast and ovarian cancer syndrome; Breast and ovarian cancer. Identifiers: Orphanet 145, MedGen C0677776, MeSH D061325, MONDO:0003582. Disease mechanism: loss of function.

Allele frequency attached by ClinVar (database versions not stated): gnomAD exomes below 0.00001.
gnomAD v4.1: 2 of 1,613,996 alleles (0.00012%); highest among the groups gnomAD compares: Non-Finnish European, 0.000085%; no homozygotes.

Submissions (5):

Labcorp Genetics (formerly Invitae), Labcorp
Classification: Uncertain significance for Hereditary breast ovarian cancer syndrome. Last evaluated: 2025-10-06. Review status: criteria provided, single submitter. Criteria: Invitae Variant Classification Sherloc (09022015). Collection method: clinical testing. Allele origin: germline.
Comment: This sequence change replaces isoleucine, which is neutral and non-polar, with valine, which is neutral and non-polar, at codon 1031 of the BRCA1 protein (p.Ile1031Val). This variant is not present in population databases (gnomAD no frequency). This missense change has been observed in individual(s) with a personal or family history of breast and/or ovarian cancer (PMID: 31159747). ClinVar contains an entry for this variant (Variation ID: 188293). Invitae Evidence Modeling of protein sequence and biophysical properties (such as structural, functional, and spatial information, amino acid conservation, physicochemical variation, residue mobility, and thermodynamic stability) indicates that this missense variant is not expected to disrupt BRCA1 protein function with a negative predictive value of 80%. In summary, the available evidence is currently insufficient to determine the role of this variant in disease. Therefore, it has been classified as a Variant of Uncertain Significance.

Ambry Genetics
Classification: Uncertain significance for Hereditary cancer-predisposing syndrome. Last evaluated: 2025-07-28. Review status: criteria provided, single submitter. Criteria: Ambry Variant Classification Scheme 2023. Collection method: clinical testing. Allele origin: germline.
Comment: The p.I1031V variant (also known as c.3091A>G), located in coding exon 9 of the BRCA1 gene, results from an A to G substitution at nucleotide position 3091. The isoleucine at codon 1031 is replaced by valine, an amino acid with highly similar properties. This alteration has been reported in 2/1197 individuals from Greece, Romania, and Turkey undergoing evaluation for inherited cancer predisposition (Tsaousis GN et al. BMC Cancer, 2019 Jun;19:535). This amino acid position is not well conserved in available vertebrate species. In addition, the in silico prediction for this alteration is inconclusive. Since supporting evidence is limited at this time, the clinical significance of this alteration remains unclear.

PreventionGenetics, part of Exact Sciences
Classification: Uncertain significance for BRCA1-related condition. Last evaluated: 2023-08-01. Review status: criteria provided, single submitter. Criteria: ACMG Guidelines, 2015. Collection method: clinical testing. Allele origin: germline.
Comment: The BRCA1 c.3091A>G variant is predicted to result in the amino acid substitution p.Ile1031Val. This variant was reported in an individual with breast cancer (Table S5, Tsaousis et al. 2019. PubMed ID: 31159747). This variant has not been reported in a large population database, indicating this variant is rare. In ClinVar, this variant has been interpreted as uncertain. At this time, the clinical significance of this variant is uncertain due to the absence of conclusive functional and genetic evidence.

University of Washington Department of Laboratory Medicine, University of Washington
Classification: Likely benign for Hereditary cancer-predisposing syndrome. Last evaluated: 2023-03-23. Review status: criteria provided, single submitter. Criteria: Dines et al. (Genet Med. 2020). Collection method: curation. Allele origin: germline.
Comment: Missense variant in a coldspot region where missense variants are very unlikely to be pathogenic (PMID:31911673).

BRCA1 coldspot (exon 11 using historical exon numbering). Reclassification based on statistical prior probability

GeneKor MSA
Classification: Uncertain significance for Hereditary cancer-predisposing syndrome. Last evaluated: 2018-08-01. Review status: criteria provided, single submitter. Criteria: ACMG Guidelines, 2015. Collection method: clinical testing. Allele origin: germline. Affected: yes.

Literature cited by the submitters: PubMed 31159747 (cited by Labcorp Genetics (formerly Invitae), Labcorp and Ambry Genetics).

NM_007294.4(BRCA1):c.3091A>G (p.Ile1031Val)

Gene: BRCA1 (BRCA1 DNA repair associated; minus strand). Cytogenetic location: 17q21.31.
Variant type: single nucleotide variant.
Coding change: c.3091A>G on transcript NM_007294.4 (MANE Select); coding-DNA position 3091, A replaced by G.
Protein change: p.Ile1031Val; replaces isoleucine 1031 with valine.
Molecular consequence: missense variant. On other transcripts: intron variant (137).
Genome position (GRCh38, 1-based): chr17:43,092,440, T>C on the plus strand (A>G on the coding strand, the complement: BRCA1 is on the minus strand). VCF-style: chr17-43092440-T-C. GRCh37 (hg19) VCF-style: chr17-41244457-T-C.
Other names: c.2878A>G, p.Ile960Val (NM_001407571.1, NM_001407853.1, NM_001407894.1 and 9 more transcripts); c.3091A>G, p.Ile1031Val (NM_001407581.1, NM_001407582.1, NM_001407583.1 and 30 more transcripts); c.3088A>G, p.Ile1030Val (NM_001407587.1, NM_001407590.1, NM_001407591.1 and 22 more transcripts); c.3082A>G, p.Ile1028Val (NM_001407646.1, NM_001407647.1); c.2968A>G, p.Ile990Val (NM_001407648.1, NM_001407664.1, NM_001407665.1 and 19 more transcripts); c.2965A>G, p.Ile989Val (NM_001407649.1, NM_001407670.1, NM_001407671.1 and 11 more transcripts); c.3013A>G, p.Ile1005Val (NM_001407653.1, NM_001407654.1, NM_001407655.1 and 4 more transcripts); c.3010A>G, p.Ile1004Val (NM_001407659.1, NM_001407660.1, NM_001407661.1 and 1 more transcripts); and 41 more; short protein forms I1031V, I984V, I1005V, I735V, I903V, I943V, I963V, I1030V.
Identifiers: ClinVar variation 188293 (VCV000188293.20), dbSNP rs786203979, ClinGen allele CA002024.